The following is an entry in ClinVar:

NM_033380.3(COL4A5):c.1268G>T (p.Gly423Val)

Gene: COL4A5 (collagen type IV alpha 5 chain; plus strand). Cytogenetic location: Xq22.3.
Variant type: single nucleotide variant.
Coding change: c.1268G>T on transcript NM_033380.3 (MANE Select); coding-DNA position 1268, G replaced by T.
Protein change: p.Gly423Val; replaces glycine 423 with valine.
Molecular consequence: missense variant.
Genome position (GRCh38, 1-based): chrX:108,591,160, G>T. VCF-style: chrX-108591160-G-T. GRCh37 (hg19) VCF-style: chrX-107834390-G-T.
Other names: c.1268G>T, p.Gly423Val (NM_000495.5); short protein forms G423V.
Identifiers: ClinVar variation 3636314 (VCV003636314.2).

ClinVar aggregate classification (germline): Likely pathogenic (1 of 4 stars; one submission).

Submission:

Labcorp Genetics (formerly Invitae), Labcorp
Classification: Likely pathogenic. Last evaluated: 2024-04-09. Review status: criteria provided, single submitter. Criteria: Invitae Variant Classification Sherloc (09022015). Collection method: clinical testing. Allele origin: germline.
Comment: This sequence change replaces glycine, which is neutral and non-polar, with valine, which is neutral and non-polar, at codon 423 of the COL4A5 protein (p.Gly423Val). This variant is not present in population databases (gnomAD no frequency). This variant has not been reported in the literature in individuals affected with COL4A5-related conditions. Advanced modeling of protein sequence and biophysical properties (such as structural, functional, and spatial information, amino acid conservation, physicochemical variation, residue mobility, and thermodynamic stability) performed at Invitae indicates that this missense variant is expected to disrupt COL4A5 protein function with a positive predictive value of 95%. This variant disrupts the triple helix domain of COL4A5. Glycine residues within the Gly-Xaa-Yaa repeats of the triple helix domain are required for the structure and stability of fibrillar collagens (PMID: 7695699, 8218237, 19344236). In COL4A5, missense variants at these glycine residues are significantly enriched in individuals with disease (PMID: 23720012, 27627812) compared to the general population (ExAC). In summary, the currently available evidence indicates that the variant is pathogenic, but additional data are needed to prove that conclusively. Therefore, this variant has been classified as Likely Pathogenic.

Literature cited by the submitters: PubMed 7695699; PubMed 8218237; PubMed 19344236; PubMed 23720012; PubMed 27627812.